The following is an entry in ClinVar:

ClinVar aggregate classification (germline): Pathogenic. Review status: criteria provided, single submitter (1 of 4 stars). 2 submissions from 2 submitters: Pathogenic (1). 1 of the submissions does not count toward it. Last evaluated 2023-11-20.

Conditions:
Ehlers-Danlos syndrome, type 4 (EDSVASC). Also called: Ehlers-Danlos syndrome vascular type; Ehlers Danlos syndrome, ecchymotic type; Ehlers Danlos syndrome, arterial type; Ehlers Danlos syndrome, Sack-Barabas type; Ehlers-Danlos Syndrome Type IV. Identifiers: Orphanet 286, MedGen C0268338, MONDO:0017314, OMIM 130050.

Submissions (2):

Labcorp Genetics (formerly Invitae), Labcorp
Classification: Pathogenic for Ehlers-Danlos syndrome, type 4. Last evaluated: 2023-11-20. Review status: criteria provided, single submitter. Criteria: Invitae Variant Classification Sherloc (09022015). Collection method: clinical testing. Allele origin: germline.
Comment: This sequence change replaces glycine, which is neutral and non-polar, with aspartic acid, which is acidic and polar, at codon 300 of the COL3A1 protein (p.Gly300Asp). This variant is not present in population databases (gnomAD no frequency). This missense change has been observed in individuals with clinical features of vascular Ehlers-Danlos syndrome (PMID: 30793832; Invitae). ClinVar contains an entry for this variant (Variation ID: 101143). Experimental studies and prediction algorithms are not available or were not evaluated, and the functional significance of this variant is currently unknown. This variant disrupts the triple helix domain of COL3A1. Glycine residues within the Gly-Xaa-Yaa repeats of the triple helix domain are required for the structure and stability of fibrillar collagens (PMID: 7695699, 8218237, 19344236). In COL3A1, variants that affect these glycine residues are significantly enriched in individuals with disease (PMID: 24922459, 25758994) compared to the general population (ExAC). For these reasons, this variant has been classified as Pathogenic.

Collagen Diagnostic Laboratory, University of Washington
Classification: Pathogenic for Ehlers-Danlos syndrome, type 4. Review status: no assertion criteria provided. Collection method: clinical testing. Allele origin: germline. Affected: yes. Not counted in ClinVar's aggregate classification.

Literature cited by the submitters: PubMed 30793832 (cited by Labcorp Genetics (formerly Invitae), Labcorp); PubMed 7695699 (cited by Labcorp Genetics (formerly Invitae), Labcorp); PubMed 8218237 (cited by Labcorp Genetics (formerly Invitae), Labcorp); PubMed 19344236 (cited by Labcorp Genetics (formerly Invitae), Labcorp); PubMed 24922459 (cited by Labcorp Genetics (formerly Invitae), Labcorp); PubMed 25758994 (cited by Labcorp Genetics (formerly Invitae), Labcorp).

NM_000090.4(COL3A1):c.899G>A (p.Gly300Asp)

Gene: COL3A1 (collagen type III alpha 1 chain; plus strand). Cytogenetic location: 2q32.2.
Variant type: single nucleotide variant.
Coding change: c.899G>A on transcript NM_000090.4 (MANE Select); coding-DNA position 899, G replaced by A.
Protein change: p.Gly300Asp; replaces glycine 300 with aspartic acid.
Molecular consequence: missense variant.
Genome position (GRCh38, 1-based): chr2:188,991,670, G>A. VCF-style: chr2-188991670-G-A. GRCh37 (hg19) VCF-style: chr2-189856396-G-A.
Identifiers: ClinVar variation 101143 (VCV000101143.5), dbSNP rs587779440, ClinGen allele CA007546.